The following is an entry in ClinVar:

NM_001182.5(ALDH7A1):c.1022G>A (p.Ser341Asn)

Gene: ALDH7A1 (aldehyde dehydrogenase 7 family member A1; minus strand). Cytogenetic location: 5q23.2.
Variant type: single nucleotide variant.
Coding change: c.1022G>A on transcript NM_001182.5 (MANE Select); coding-DNA position 1022, G replaced by A.
Protein change: p.Ser341Asn; replaces serine 341 with asparagine.
Molecular consequence: missense variant. On other transcripts: intron variant (1).
Genome position (GRCh38, 1-based): chr5:126,556,002, C>T on the plus strand (G>A on the coding strand, the complement: ALDH7A1 is on the minus strand). VCF-style: chr5-126556002-C-T. GRCh37 (hg19) VCF-style: chr5-125891694-C-T.
Other names: p.S341N:AGC>AAC; c.938G>A, p.Ser313Asn (NM_001201377.2); c.1008+3238G>A (NM_001202404.2); short protein forms S341N, S313N.
Identifiers: ClinVar variation 204821 (VCV000204821.12), dbSNP rs141701364, ClinGen allele CA313151.

ClinVar aggregate classification (germline): Conflicting classifications of pathogenicity. Review status: criteria provided, conflicting classifications (1 of 4 stars). 3 submissions from 3 submitters: Uncertain significance (2); Likely benign (1). Last evaluated 2025-10-10.

Conditions:
Inborn genetic diseases. Identifiers: MedGen C0950123, MeSH D030342.
Pyridoxine-dependent epilepsy (EPEO4). Also called: Pyridoxine-Dependent Seizures; Pyridoxine-Dependent Epilepsy - ALDH7A1; PYRIDOXINE DEPENDENCY WITH SEIZURES; EPILEPSY, EARLY-ONSET, 4, VITAMIN B6-DEPENDENT. Identifiers: Orphanet 3006, MedGen C1849508, MONDO:0009945, OMIM 266100. Disease mechanism: loss of function.

Allele frequency attached by ClinVar (database versions not stated): ExAC 0.00005; gnomAD exomes 0.00009 and 0.00005; gnomAD 0.00004 and 0.00005; ESP Exome Variant Server 0.00015; TOPMed 0.00004.
gnomAD v4.1: 135 of 1,612,796 alleles (0.0084%); highest among the groups gnomAD compares: Non-Finnish European, 0.01%; no homozygotes.

Submissions (3):

Ambry Genetics
Classification: Likely benign for Inborn genetic diseases. Last evaluated: 2025-10-10. Review status: criteria provided, single submitter. Criteria: Ambry Variant Classification Scheme 2023. Collection method: clinical testing. Allele origin: germline.

GeneDx
Classification: Uncertain significance. Last evaluated: 2024-10-01. Review status: criteria provided, single submitter. Criteria: GeneDx Variant Classification Process June 2021. Collection method: clinical testing. Allele origin: germline. Affected: yes.
Comment: Not observed at significant frequency in large population cohorts (gnomAD); In silico analysis indicates that this missense variant does not alter protein structure/function; Has not been previously published as pathogenic or benign to our knowledge

Labcorp Genetics (formerly Invitae), Labcorp
Classification: Uncertain significance for Pyridoxine-dependent epilepsy. Last evaluated: 2022-08-19. Review status: criteria provided, single submitter. Criteria: Invitae Variant Classification Sherloc (09022015). Collection method: clinical testing. Allele origin: germline.
Comment: This sequence change replaces serine, which is neutral and polar, with asparagine, which is neutral and polar, at codon 341 of the ALDH7A1 protein (p.Ser341Asn). This variant is present in population databases (rs141701364, gnomAD 0.01%). This variant has not been reported in the literature in individuals affected with ALDH7A1-related conditions. ClinVar contains an entry for this variant (Variation ID: 204821). Advanced modeling of protein sequence and biophysical properties (such as structural, functional, and spatial information, amino acid conservation, physicochemical variation, residue mobility, and thermodynamic stability) performed at Invitae indicates that this missense variant is not expected to disrupt ALDH7A1 protein function. In summary, the available evidence is currently insufficient to determine the role of this variant in disease. Therefore, it has been classified as a Variant of Uncertain Significance.